The following is an entry in ClinVar:

ClinVar aggregate classification (germline): Uncertain significance (1 of 4 stars; one submission).

Conditions:
Charcot-Marie-Tooth disease type 2. Also called: Charcot-Marie-Tooth type 2. Identifiers: Orphanet 64746, MedGen C0270914, MONDO:0018993.

Submission:

Labcorp Genetics (formerly Invitae), Labcorp
Classification: Uncertain significance for Charcot-Marie-Tooth disease type 2. Last evaluated: 2025-10-02. Review status: criteria provided, single submitter. Criteria: Invitae Variant Classification Sherloc (09022015). Collection method: clinical testing. Allele origin: germline.
Comment: This sequence change affects a donor splice site in intron 42 of the KIF1B gene. It is expected to disrupt RNA splicing. Variants that disrupt the donor or acceptor splice site typically lead to a loss of protein function (PMID: 16199547), however the current clinical and genetic evidence is not sufficient to establish whether loss-of-function variants in KIF1B cause disease. This variant is not present in population databases (gnomAD no frequency). This variant has not been reported in the literature in individuals affected with KIF1B-related conditions. Algorithms developed to predict the effect of sequence changes on RNA splicing suggest that this variant may disrupt the consensus splice site. In summary, the available evidence is currently insufficient to determine the role of this variant in disease. Therefore, it has been classified as a Variant of Uncertain Significance.

Literature cited by the submitters: PubMed 16199547.

NM_001365951.3(KIF1B):c.4824+1G>A

Gene: KIF1B (kinesin family member 1B; plus strand). Cytogenetic location: 1p36.22.
Variant type: single nucleotide variant.
Coding change: c.4824+1G>A on transcript NM_001365951.3 (MANE Select); the canonical splice donor site of the intron after coding-DNA position 4824, G replaced by A.
Molecular consequence: splice donor variant.
Genome position (GRCh38, 1-based): chr1:10,368,539, G>A. VCF-style: chr1-10368539-G-A. GRCh37 (hg19) VCF-style: chr1-10428597-G-A.
Other names: c.4686+1G>A (NM_015074.3); c.4824+1G>A (NM_001365952.1).
Identifiers: ClinVar variation 4728327 (VCV004728327.1).